The following is an entry in ClinVar:

ClinVar aggregate classification (germline): Uncertain significance (1 of 4 stars; one submission).

Submission:

ISCA site 4
Classification: Uncertain significance. Last evaluated: 2011-08-12. Review status: criteria provided, single submitter. Criteria: Kaminsky et al. (Genet Med. 2011). Collection method: clinical testing. Allele origin: unknown. Affected: yes. Observed: 1 variant allele.
Comment: Copy number variation identified through the course of routine clinical cytogenomic testing in postnatal populations. Clinical assertions have been curated as described in Kaminsky et al. 2011.

GRCh38/hg38 7q21.13(chr7:88563550-90170632)x3

Genes: STEAP1 (STEAP family member 1; plus strand), STEAP2-AS1 (STEAP2 antisense RNA 1; minus strand), TEX47 (testis expressed 47; minus strand), ZNF804B (zinc finger protein 804B; plus strand), LOC105375387 (uncharacterized LOC105375387; plus strand) and 2 more. Cytogenetic location: 7q21.13.
Variant type: copy number gain.
Change: copy number 3 (three copies instead of two) of chr7:88,563,550-90,170,632 (1.61 Mb, GRCh38 coordinates, 1-based), cytogenetic band 7q21.13.
Identifiers: ClinVar variation 160831 (VCV000160831.1).